The following is an entry in ClinVar:

ClinVar aggregate classification (germline): Benign/Likely benign. Review status: criteria provided, multiple submitters, no conflicts (2 of 4 stars). 13 submissions from 13 submitters: Benign (3); Likely benign (5). 5 of the submissions do not count toward it. Last evaluated 2025-12-20.

Conditions:
Cardiovascular phenotype. Identifiers: MedGen CN230736.
ANK2-related disorder. Also called: ANK2-related condition.
Cardiac arrhythmia, ankyrin-B-related. Also called: ANKYRIN-B SYNDROME. Identifiers: Orphanet 101016, Orphanet 768, MedGen C1970119, MONDO:0010958, OMIM 600919.
Long QT syndrome (LQTS). Identifiers: MedGen C0023976, MeSH D008133, MONDO:0002442. Disease mechanism: loss of function. Inheritance: Various modes of inheritance.

Allele frequency attached by ClinVar (database versions not stated): ExAC 0.00011; gnomAD exomes 0.00015 and 0.00036; TOPMed 0.00025; gnomAD 0.00030 and 0.00036; ESP Exome Variant Server 0.00046.
gnomAD v4.1: 555 of 1,613,992 alleles (0.034%); highest among the groups gnomAD compares: Non-Finnish European, 0.046%; no homozygotes.

Submissions (13):

Labcorp Genetics (formerly Invitae), Labcorp
Classification: Likely benign for Long QT syndrome. Last evaluated: 2025-12-20. Review status: criteria provided, single submitter. Criteria: Invitae Variant Classification Sherloc (09022015). Collection method: clinical testing. Allele origin: germline.

CeGaT Center for Human Genetics Tuebingen
Classification: Likely benign. Last evaluated: 2025-07-01. Review status: criteria provided, single submitter. Criteria: CeGaT Center For Human Genetics Tuebingen Variant Classification Criteria Version 2. Collection method: clinical testing. Allele origin: germline. Affected: yes. Observed: 2 variant alleles.
Comment: ANK2: BP4, BP7

Blueprint Genetics
Classification: Likely benign. Last evaluated: 2024-09-10. Review status: criteria provided, single submitter. Criteria: ACMG Guidelines, 2015. Collection method: clinical testing. Allele origin: germline.

Women's Health and Genetics/Laboratory Corporation of America, LabCorp
Classification: Benign. Last evaluated: 2023-12-03. Review status: criteria provided, single submitter. Criteria: LabCorp Variant Classification Summary - May 2015. Collection method: clinical testing. Allele origin: germline.

Genome-Nilou Lab
Classification: Benign for Cardiac arrhythmia, ankyrin-B-related. Last evaluated: 2021-12-05. Review status: criteria provided, single submitter. Criteria: ACMG Guidelines, 2015. Collection method: clinical testing. Allele origin: germline. Affected: no.

Fulgent Genetics
Classification: Likely benign for Cardiac arrhythmia, ankyrin-B-related. Last evaluated: 2021-07-28. Review status: criteria provided, single submitter. Criteria: ACMG Guidelines, 2015. Collection method: clinical testing. Allele origin: unknown.

Ambry Genetics
Classification: Likely benign for Cardiovascular phenotype. Last evaluated: 2016-04-01. Review status: criteria provided, single submitter. Criteria: Ambry Variant Classification Scheme 2023. Collection method: clinical testing. Allele origin: germline.

GeneDx
Classification: Benign. Last evaluated: 2015-05-07. Review status: criteria provided, single submitter. Criteria: GeneDx Variant Classification (06012015). Collection method: clinical testing. Allele origin: germline. Affected: yes.
Comment: This variant is considered likely benign or benign based on one or more of the following criteria: it is a conservative change, it occurs at a poorly conserved position in the protein, it is predicted to be benign by multiple in silico algorithms, and/or has population frequency not consistent with disease.

PreventionGenetics, part of Exact Sciences
Classification: Likely benign for ANK2-related condition. Last evaluated: 2020-05-11. Review status: no assertion criteria provided. Collection method: clinical testing. Allele origin: germline. Not counted in ClinVar's aggregate classification.
Comment: This variant is classified as likely benign based on ACMG/AMP sequence variant interpretation guidelines (Richards et al. 2015 PMID: 25741868, with internal and published modifications).

Clinical Genetics DNA and cytogenetics Diagnostics Lab, Erasmus MC, Erasmus Medical Center
Classification: Likely benign. Review status: no assertion criteria provided. Collection method: clinical testing. Allele origin: germline. Affected: yes. Study: VKGL Data-share Consensus. Not counted in ClinVar's aggregate classification.

Clinical Genetics, Academic Medical Center
Classification: Benign. Review status: no assertion criteria provided. Collection method: clinical testing. Allele origin: germline. Affected: yes. Study: VKGL Data-share Consensus. Not counted in ClinVar's aggregate classification.

Genome Diagnostics Laboratory, University Medical Center Utrecht
Classification: Likely benign. Review status: no assertion criteria provided. Collection method: clinical testing. Allele origin: germline. Affected: yes. Study: VKGL Data-share Consensus. Not counted in ClinVar's aggregate classification.

Joint Genome Diagnostic Labs from Nijmegen and Maastricht, Radboudumc and MUMC+
Classification: Likely benign. Review status: no assertion criteria provided. Collection method: clinical testing. Allele origin: germline. Affected: yes. Study: VKGL Data-share Consensus. Not counted in ClinVar's aggregate classification.

NM_001148.6(ANK2):c.2727T>A (p.Thr909=)

Gene: ANK2 (ankyrin 2; plus strand). Cytogenetic location: 4q26.
Variant type: single nucleotide variant.
Coding change: c.2727T>A on transcript NM_001148.6 (MANE Select); coding-DNA position 2727, T replaced by A.
Protein change: p.Thr909=; no amino-acid change (threonine 909 retained).
Molecular consequence: synonymous variant.
Genome position (GRCh38, 1-based): chr4:113,317,740, T>A. VCF-style: chr4-113317740-T-A. GRCh37 (hg19) VCF-style: chr4-114238896-T-A.
Other names: c.2664T>A, p.Thr888= (NM_001127493.3, NM_001354243.2, NM_001354255.2 and 3 more transcripts); c.2739T>A, p.Thr913= (NM_001354225.2); c.2727T>A, p.Thr909= (NM_001354228.2, NM_001354232.2, NM_001354258.2 and 1 more transcripts); c.2769T>A, p.Thr923= (NM_001354230.2, NM_001354231.2, NM_001354237.2 and 1 more transcripts); c.2724T>A, p.Thr908= (NM_001354235.2, NM_001354236.2, NM_001354246.2 and 1 more transcripts); c.2661T>A, p.Thr887= (NM_001354239.2, NM_001354244.2, NM_001354252.2 and 3 more transcripts); c.2772T>A, p.Thr924= (NM_001354240.2, NM_001354241.2, NM_001386144.1); c.2628T>A, p.Thr876= (NM_001354245.2, NM_001354268.2); and 17 more.
Identifiers: ClinVar variation 377474 (VCV000377474.39), dbSNP rs144548535, ClinGen allele CA3050651.